The following is an entry in ClinVar:

ClinVar aggregate classification (germline): Uncertain significance (1 of 4 stars; one submission).

Conditions:
Hereditary cancer-predisposing syndrome. Also called: Tumor predisposition; Hereditary Cancer Syndrome; Hereditary neoplastic syndrome; Neoplastic Syndromes, Hereditary. Identifiers: Orphanet 140162, MedGen C0027672, MeSH D009386, MONDO:0015356.

Submission:

Ambry Genetics
Classification: Uncertain significance for Hereditary cancer-predisposing syndrome. Last evaluated: 2023-08-11. Review status: criteria provided, single submitter. Criteria: Ambry Variant Classification Scheme 2023. Collection method: clinical testing. Allele origin: germline.
Comment: The c.4041_4072dup32 variant, located in coding exon 10 of the MSH6 gene, results from a duplication of TGAAGCTGTCCATAAATTGCTGACTTTGATTA at nucleotide positions 4041 to 4072, causing a translational frameshift with a predicted alternate stop codon (p.K1358Mfs*8). This alteration occurs at the 3' terminus of theMSH6 gene, is not expected to trigger nonsense-mediated mRNAdecay and results in the elongation of the protein by 4 amino acids. This frameshift impacts the last 3amino acids of the native protein. The exact functional effect of the altered amino acids is unknown. Since supporting evidence is limited at this time, the clinical significance of this alteration remains unclear.

NM_000179.3(MSH6):c.4041_4072dup (p.Lys1358delinsMetLysLeuSerIleAsnCysTer)

Gene: MSH6 (mutS homolog 6; plus strand). Cytogenetic location: 2p16.3.
Variant type: Duplication.
Coding change: c.4041_4072dup on transcript NM_000179.3 (MANE Select); coding-DNA positions 4041 to 4072, 32 bases duplicated.
Protein change: p.Lys1358delinsMetLysLeuSerIleAsnCysTer.
Molecular consequence: nonsense. On other transcripts: 3 prime UTR variant (5), non-coding transcript variant (5), frameshift variant (1).
Genome position (GRCh38, 1-based): chr2:47,806,818-47,806,849, 32 bases duplicated. GRCh37 (hg19): chr2:48,033,957-48,033,988.
Other names: c.3651_3682dup, p.Lys1228delinsMetLysLeuSerIleAsnCysTer (NM_001281492.2); c.3135_3166dup, p.Lys1056delinsMetLysLeuSerIleAsnCysTer (NM_001281493.2, NM_001281494.2, NM_001406811.1 and 6 more transcripts); c.4137_4168dup, p.Lys1390delinsMetLysLeuSerIleAsnCysTer (NM_001406795.1); c.4041_4072dup, p.Lys1358delinsMetLysLeuSerIleAsnCysTer (NM_001406796.1, NM_001406809.1); c.3744_3775dup, p.Lys1259delinsMetLysLeuSerIleAsnCysTer (NM_001406797.1, NM_001406805.1, NM_001406818.1 and 8 more transcripts); c.3867_3898dup, p.Lys1300delinsMetLysLeuSerIleAsnCysTer (NM_001406798.1); c.3516_3547dup, p.Lys1183delinsMetLysLeuSerIleAsnCysTer (NM_001406799.1, NM_001406806.1, NM_001406807.1); c.*62_*93dup (NM_001406800.1); and 10 more.
Identifiers: ClinVar variation 2587338 (VCV002587338.2), dbSNP rs2530895432, ClinGen allele CA2582342384.